The following is an entry in ClinVar:

NM_006015.6(ARID1A):c.3325C>T (p.Arg1109Trp)

Gene: ARID1A (AT-rich interaction domain 1A; plus strand). Cytogenetic location: 1p36.11.
Variant type: single nucleotide variant.
Coding change: c.3325C>T on transcript NM_006015.6 (MANE Select); coding-DNA position 3325, C replaced by T.
Protein change: p.Arg1109Trp; replaces arginine 1109 with tryptophan.
Molecular consequence: missense variant.
Genome position (GRCh38, 1-based): chr1:26,771,245, C>T. VCF-style: chr1-26771245-C-T. GRCh37 (hg19) VCF-style: chr1-27097736-C-T.
Other names: c.3325C>T, p.Arg1109Trp (NM_139135.4); short protein forms R1109W.
Identifiers: ClinVar variation 1730239 (VCV001730239.3), dbSNP rs1490783133, ClinGen allele CA339165178.

ClinVar aggregate classification (germline): Uncertain significance. Review status: criteria provided, multiple submitters, no conflicts (2 of 4 stars). 2 submissions from 2 submitters: Uncertain significance (2). Last evaluated 2025-12-29.

Conditions:
Inborn genetic diseases. Identifiers: MedGen C0950123, MeSH D030342.

Allele frequency attached by ClinVar (database versions not stated): gnomAD exomes below 0.00001; TOPMed 0.00001.
gnomAD v4.1: 2 of 1,614,152 alleles (0.00012%); highest among the groups gnomAD compares: Admixed American, 0.0017%; no homozygotes.

Submissions (2):

Women's Health and Genetics/Laboratory Corporation of America, LabCorp
Classification: Uncertain significance. Last evaluated: 2025-12-29. Review status: criteria provided, single submitter. Criteria: LabCorp Variant Classification Summary - May 2015. Collection method: clinical testing. Allele origin: germline.
Comment: Variant summary: ARID1A c.3325C>T (p.Arg1109Trp) results in a non-conservative amino acid change in the encoded protein sequence. Algorithms developed to predict the effect of missense changes on protein structure and function are either unavailable or do not agree on the potential impact of this missense change. The variant allele was found at a frequency of 4e-06 in 251458 control chromosomes. The available data on variant occurrences in the general population are insufficient to allow any conclusion about variant significance. To our knowledge, no occurrence of c.3325C>T in individuals affected with ARID1A-related conditions and no experimental evidence demonstrating its impact on protein function have been reported. ClinVar contains an entry for this variant (Variation ID: 1730239). Based on the evidence outlined above, the variant was classified as uncertain significance.

Ambry Genetics
Classification: Uncertain significance for Inborn genetic diseases. Last evaluated: 2019-09-17. Review status: criteria provided, single submitter. Criteria: Ambry Variant Classification Scheme 2023. Collection method: clinical testing. Allele origin: germline.
Comment: The p.R1109W variant (also known as c.3325C>T), located in coding exon 12 of the ARID1A gene, results from a C to T substitution at nucleotide position 3325. The arginine at codon 1109 is replaced by tryptophan, an amino acid with dissimilar properties. This amino acid position is highly conserved in available vertebrate species. In addition, the in silico prediction for this alteration is inconclusive. Since supporting evidence is limited at this time, the clinical significance of this alteration remains unclear.